The following is an entry in ClinVar:

ClinVar aggregate classification (germline): Uncertain significance (1 of 4 stars; one submission).

Conditions:
Cardiovascular phenotype. Identifiers: MedGen CN230736.

gnomAD v4.1: 4 of 1,614,072 alleles (0.00025%); highest among the groups gnomAD compares: South Asian, 0.0022%; no homozygotes.

Submission:

Ambry Genetics
Classification: Uncertain significance for Cardiovascular phenotype. Last evaluated: 2024-11-20. Review status: criteria provided, single submitter. Criteria: Ambry Variant Classification Scheme 2023. Collection method: clinical testing. Allele origin: germline.
Comment: The p.T117A variant (also known as c.349A>G), located in coding exon 3 of the ABCC9 gene, results from an A to G substitution at nucleotide position 349. The threonine at codon 117 is replaced by alanine, an amino acid with similar properties. This amino acid position is well conserved in available vertebrate species. In addition, the in silico prediction for this alteration is inconclusive. Based on the available evidence, the clinical significance of this variant remains unclear.

NM_020297.4(ABCC9):c.349A>G (p.Thr117Ala)

Gene: ABCC9 (ATP binding cassette subfamily C member 9; minus strand). Cytogenetic location: 12p12.1.
Variant type: single nucleotide variant.
Coding change: c.349A>G on transcript NM_020297.4 (MANE Select); coding-DNA position 349, A replaced by G.
Protein change: p.Thr117Ala; replaces threonine 117 with alanine.
Molecular consequence: missense variant. On other transcripts: 5 prime UTR variant (1).
Genome position (GRCh38, 1-based): chr12:21,925,999, T>C on the plus strand (A>G on the coding strand, the complement: ABCC9 is on the minus strand). VCF-style: chr12-21925999-T-C. GRCh37 (hg19) VCF-style: chr12-22078933-T-C.
Other names: c.349A>G, p.Thr117Ala (NM_001377273.1, NM_005691.4); c.-106A>G (NM_001377274.1); short protein forms T117A.
Identifiers: ClinVar variation 3406398 (VCV003406398.1).